The following is an entry in ClinVar:

NM_177438.3(DICER1):c.3611_3616delinsT (p.Tyr1204fs)

Gene: DICER1 (dicer 1, ribonuclease III; minus strand). Cytogenetic location: 14q32.13.
Variant type: Indel.
Coding change: c.3611_3616delinsT on transcript NM_177438.3 (MANE Select); coding-DNA positions 3611 to 3616, ACTACA replaced by T.
Protein change: p.Tyr1204fs; shifts the reading frame from tyrosine 1204.
Molecular consequence: frameshift variant.
Genome position (GRCh38, 1-based): chr14:95,103,780-95,103,785, TGTAGT replaced by A on the plus strand (ACTACA replaced by T on the coding strand, the reverse complement: DICER1 is on the minus strand). VCF-style: chr14-95103780-TGTAGT-A. GRCh37 (hg19) VCF-style: chr14-95570117-TGTAGT-A.
Other names: c.3611_3616delinsT, p.Tyr1204fs (NM_001195573.1, NM_001271282.3, NM_001291628.2 and 1 more transcripts); c.3611_3616delACTACAinsT (NM_177438.2); short protein forms Y1204fs.
Identifiers: ClinVar variation 66096 (VCV000066096.4), dbSNP rs886037651, ClinGen allele CA10575607.

ClinVar aggregate classification (germline): Pathogenic. Review status: criteria provided, single submitter (1 of 4 stars). 2 submissions from 2 submitters: Pathogenic (1). 1 of the submissions does not count toward it. Last evaluated 2019-07-01.

Conditions:
DICER1-related tumor predisposition. Also called: DICER1 syndrome; DICER1-related pleuropulmonary blastoma cancer predisposition syndrome. Identifiers: Orphanet 284343, MedGen C3839822, MONDO:0100216.
Rhabdomyosarcoma, embryonal, 2 (RMSE2). Identifiers: MedGen C1867234, MONDO:0859046, OMIM 180295.

Submissions (2):

Foulkes Cancer Genetics LDI, Lady Davis Institute for Medical Research
Classification: Pathogenic for Pleuropulmonary blastoma. Last evaluated: 2019-07-01. Review status: criteria provided, single submitter. Criteria: ACMG Guidelines, 2015. Collection method: curation. Allele origin: germline. Affected: yes. Observed: 4 variant alleles.
Comment: ACMG criteria met: PSV1, PM2, PM7, PP1, PP4

OMIM
Classification: Pathogenic for RHABDOMYOSARCOMA, EMBRYONAL, 2. Last evaluated: 2011-12-01. Review status: no assertion criteria provided. Collection method: literature only. Allele origin: germline. Not counted in ClinVar's aggregate classification.

Literature cited by the submitters: PubMed 21882293 (cited by Foulkes Cancer Genetics LDI, Lady Davis Institute for Medical Research and OMIM); PubMed 22187960 (cited by Foulkes Cancer Genetics LDI, Lady Davis Institute for Medical Research).